The following is an entry in ClinVar:

ClinVar aggregate classification (germline): Uncertain significance (1 of 4 stars; one submission).

Conditions:
Neuroblastoma, susceptibility to, 3. Also called: ALK-Related Neuroblastic Tumor Susceptibility. Identifiers: Orphanet 635, MedGen C2751681, MONDO:0013083, OMIM 613014.

Submission:

Labcorp Genetics (formerly Invitae), Labcorp
Classification: Uncertain significance for Neuroblastoma, susceptibility to, 3. Last evaluated: 2020-03-05. Review status: criteria provided, single submitter. Criteria: Invitae Variant Classification Sherloc (09022015). Collection method: clinical testing. Allele origin: germline.
Comment: This sequence change replaces threonine with asparagine at codon 731 of the ALK protein (p.Thr731Asn). The threonine residue is highly conserved and there is a small physicochemical difference between threonine and asparagine. This variant is not present in population databases (ExAC no frequency). This variant has not been reported in the literature in individuals with ALK-related conditions. Algorithms developed to predict the effect of missense changes on protein structure and function (SIFT, PolyPhen-2, Align-GVGD) all suggest that this variant is likely to be disruptive, but these predictions have not been confirmed by published functional studies and their clinical significance is uncertain. In summary, the available evidence is currently insufficient to determine the role of this variant in disease. Therefore, it has been classified as a Variant of Uncertain Significance.

NM_004304.5(ALK):c.2192C>A (p.Thr731Asn)

Gene: ALK (ALK receptor tyrosine kinase; minus strand). Cytogenetic location: 2p23.2.
Variant type: single nucleotide variant.
Coding change: c.2192C>A on transcript NM_004304.5 (MANE Select); coding-DNA position 2192, C replaced by A.
Protein change: p.Thr731Asn; replaces threonine 731 with asparagine.
Molecular consequence: missense variant.
Genome position (GRCh38, 1-based): chr2:29,251,117, G>T on the plus strand (C>A on the coding strand, the complement: ALK is on the minus strand). VCF-style: chr2-29251117-G-T. GRCh37 (hg19) VCF-style: chr2-29473983-G-T.
Other names: short protein forms T731N.
Identifiers: ClinVar variation 1001467 (VCV001001467.8), dbSNP rs1664804232, ClinGen allele CA346476704.